The following is an entry in ClinVar:

ClinVar aggregate classification (germline): Likely pathogenic (1 of 4 stars; one submission).

Submission:

CeGaT Center for Human Genetics Tuebingen
Classification: Likely pathogenic. Last evaluated: 2025-07-01. Review status: criteria provided, single submitter. Criteria: CeGaT Center For Human Genetics Tuebingen Variant Classification Criteria Version 2. Collection method: clinical testing. Allele origin: germline. Affected: yes. Observed: 1 variant allele.
Comment: ACTN4: PM2, PM5, PP2, PP3

NM_004924.6(ACTN4):c.214G>C (p.Glu72Gln)

Gene: ACTN4 (actinin alpha 4; plus strand). Cytogenetic location: 19q13.2.
Variant type: single nucleotide variant.
Coding change: c.214G>C on transcript NM_004924.6 (MANE Select); coding-DNA position 214, G replaced by C.
Protein change: p.Glu72Gln; replaces glutamic acid 72 with glutamine.
Molecular consequence: missense variant. On other transcripts: 5 prime UTR variant (1).
Genome position (GRCh38, 1-based): chr19:38,700,651, G>C. VCF-style: chr19-38700651-G-C. GRCh37 (hg19) VCF-style: chr19-39191291-G-C.
Other names: c.214G>C, p.Glu72Gln (NM_001322033.2, NM_001411143.1, NM_001440296.1 and 2 more transcripts); c.-39G>C (NM_001440299.1); short protein forms E72Q.
Identifiers: ClinVar variation 4084962 (VCV004084962.8).